The following is an entry in ClinVar:

NM_001277115.2(DNAH11):c.1408C>A (p.Arg470Ser)

Gene: DNAH11 (dynein axonemal heavy chain 11; plus strand). Cytogenetic location: 7p15.3.
Variant type: single nucleotide variant.
Coding change: c.1408C>A on transcript NM_001277115.2 (MANE Select); coding-DNA position 1408, C replaced by A.
Protein change: p.Arg470Ser; replaces arginine 470 with serine.
Molecular consequence: missense variant.
Genome position (GRCh38, 1-based): chr7:21,570,282, C>A. VCF-style: chr7-21570282-C-A. GRCh37 (hg19) VCF-style: chr7-21609900-C-A.
Other names: c.1408C>A, p.Arg470Ser (NM_003777.3); short protein forms R470S.
Identifiers: ClinVar variation 1771952 (VCV001771952.7), dbSNP rs374144841, ClinGen allele CA4178965.

ClinVar aggregate classification (germline): Conflicting classifications of pathogenicity. Review status: criteria provided, conflicting classifications (1 of 4 stars). 2 submissions from 2 submitters: Uncertain significance (1); Likely benign (1). Last evaluated 2023-12-18.

Conditions:
Primary ciliary dyskinesia. Also called: Ciliary dyskinesia. Identifiers: Orphanet 244, MedGen C0008780, MONDO:0016575, HP:0012265.

Allele frequency attached by ClinVar (database versions not stated): ExAC 0.00003; ESP Exome Variant Server 0.00009.
gnomAD v4.1: 30 of 1,603,932 alleles (0.0019%); highest among the groups gnomAD compares: African/African-American, 0.012%; no homozygotes.

Submissions (2):

Labcorp Genetics (formerly Invitae), Labcorp
Classification: Likely benign for Primary ciliary dyskinesia. Last evaluated: 2023-12-18. Review status: criteria provided, single submitter. Criteria: Invitae Variant Classification Sherloc (09022015). Collection method: clinical testing. Allele origin: germline.

Ambry Genetics
Classification: Uncertain significance for Primary ciliary dyskinesia. Last evaluated: 2022-04-04. Review status: criteria provided, single submitter. Criteria: Ambry Variant Classification Scheme 2023. Collection method: clinical testing. Allele origin: germline.
Comment: The p.R470S variant (also known as c.1408C>A), located in coding exon 7 of the DNAH11 gene, results from a C to A substitution at nucleotide position 1408. The arginine at codon 470 is replaced by serine, an amino acid with dissimilar properties. This amino acid position is conserved. In addition, the in silico prediction for this alteration is inconclusive. Since supporting evidence is limited at this time, the clinical significance of this alteration remains unclear.